The following is an entry in ClinVar:

NM_001378457.1(DMXL2):c.7148C>G (p.Ala2383Gly)

Gene: DMXL2 (Dmx like 2; minus strand). Cytogenetic location: 15q21.2.
Variant type: single nucleotide variant.
Coding change: c.7148C>G on transcript NM_001378457.1 (MANE Select); coding-DNA position 7148, C replaced by G.
Protein change: p.Ala2383Gly; replaces alanine 2383 with glycine.
Molecular consequence: missense variant. On other transcripts: non-coding transcript variant (2).
Genome position (GRCh38, 1-based): chr15:51,474,409, G>C on the plus strand (C>G on the coding strand, the complement: DMXL2 is on the minus strand). VCF-style: chr15-51474409-G-C. GRCh37 (hg19) VCF-style: chr15-51766606-G-C.
Other names: c.7148C>G, p.Ala2383Gly (NM_001174116.3, NM_001378459.1, NM_001378461.1 and 1 more transcripts); c.5237C>G, p.Ala1746Gly (NM_001174117.3); c.7145C>G, p.Ala2382Gly (NM_001378458.1, NM_001378462.1, NM_015263.5); c.5126C>G, p.Ala1709Gly (NM_001378460.1); c.6905C>G, p.Ala2302Gly (NM_001378464.1); c.7148C>G (NM_001174116.2, NM_001174116.1); short protein forms A2302G, A1746G, A2383G, A1709G, A2382G.
Identifiers: ClinVar variation 1431479 (VCV001431479.6), dbSNP rs140233306, ClinGen allele CA7561417.

ClinVar aggregate classification (germline): Conflicting classifications of pathogenicity. Review status: criteria provided, conflicting classifications (1 of 4 stars). 3 submissions from 3 submitters: Uncertain significance (2); Likely benign (1). Last evaluated 2026-03-09.

Conditions:
DMXL2-related disorder. Also called: DMXL2-related condition.
Developmental and epileptic encephalopathy, 81. Also called: EPILEPTIC ENCEPHALOPATHY, EARLY INFANTILE, 81. Identifiers: MedGen C5231450, MONDO:0032858, OMIM 618663.

Allele frequency attached by ClinVar (database versions not stated): gnomAD exomes 0.00014; ExAC 0.00015; 1000 Genomes Project 30x 0.00031; gnomAD 0.00039 and 0.00043; 1000 Genomes Project 0.00040; TOPMed 0.00045; ESP Exome Variant Server 0.00069.
gnomAD v4.1: 113 of 1,612,918 alleles (0.007%); highest among the groups gnomAD compares: African/African-American, 0.14%; no homozygotes.

Submissions (3):

PreventionGenetics, part of Exact Sciences
Classification: Likely benign for DMXL2-related condition. Last evaluated: 2026-03-09. Review status: criteria provided, single submitter. Criteria: ACMG Guidelines, 2015. Collection method: clinical testing. Allele origin: germline.
Comment: This variant is classified as likely benign based on ACMG/AMP sequence variant interpretation guidelines (Richards et al. 2015 PMID: 25741868, with internal and published modifications).

Baylor Genetics
Classification: Uncertain significance for Developmental and epileptic encephalopathy, 81. Last evaluated: 2022-11-01. Review status: criteria provided, single submitter. Criteria: ACMG Guidelines, 2015. Collection method: clinical testing. Allele origin: unknown.

Labcorp Genetics (formerly Invitae), Labcorp
Classification: Uncertain significance. Last evaluated: 2022-10-17. Review status: criteria provided, single submitter. Criteria: Invitae Variant Classification Sherloc (09022015). Collection method: clinical testing. Allele origin: germline.
Comment: This sequence change replaces alanine, which is neutral and non-polar, with glycine, which is neutral and non-polar, at codon 2383 of the DMXL2 protein (p.Ala2383Gly). This variant is present in population databases (rs140233306, gnomAD 0.2%). This variant has not been reported in the literature in individuals affected with DMXL2-related conditions. ClinVar contains an entry for this variant (Variation ID: 1431479). Algorithms developed to predict the effect of missense changes on protein structure and function are either unavailable or do not agree on the potential impact of this missense change (SIFT: "Tolerated"; PolyPhen-2: "Probably Damaging"; Align-GVGD: "Class C0"). In summary, the available evidence is currently insufficient to determine the role of this variant in disease. Therefore, it has been classified as a Variant of Uncertain Significance.